The following is an entry in ClinVar:

ClinVar aggregate classification (germline): Uncertain significance. Review status: criteria provided, multiple submitters, no conflicts (2 of 4 stars). 2 submissions from 2 submitters: Uncertain significance (2). Last evaluated 2023-10-18.

Conditions:
Joubert syndrome. Also called: CEREBELLOPARENCHYMAL DISORDER IV; JOUBERT-BOLTSHAUSER SYNDROME; Familial aplasia of the vermis. Identifiers: Orphanet 475, MedGen C5979921, MONDO:0018772.
Meckel-Gruber syndrome. Also called: DYSENCEPHALIA SPLANCHNOCYSTICA; GRUBER SYNDROME; Dysencephalia splachnocystica. Identifiers: Orphanet 564, MedGen C0265215, MONDO:0018921.

Allele frequency attached by ClinVar (database versions not stated): TOPMed 0.00002.

Submissions (2):

GeneDx
Classification: Uncertain significance. Last evaluated: 2023-10-18. Review status: criteria provided, single submitter. Criteria: GeneDx Variant Classification Process June 2021. Collection method: clinical testing. Allele origin: germline. Affected: yes.
Comment: Has not been previously published as pathogenic or benign to our knowledge; Not observed at significant frequency in large population cohorts (gnomAD); In silico analysis is inconclusive as to whether the variant alters gene splicing. In the absence of RNA/functional studies, the actual effect of this sequence change is unknown.

Labcorp Genetics (formerly Invitae), Labcorp
Classification: Uncertain significance for Joubert syndrome; Meckel-Gruber syndrome. Last evaluated: 2021-09-21. Review status: criteria provided, single submitter. Criteria: Invitae Variant Classification Sherloc (09022015). Collection method: clinical testing. Allele origin: germline.
Comment: This sequence change falls in intron 7 of the RPGRIP1L gene. It does not directly change the encoded amino acid sequence of the RPGRIP1L protein, but it affects a nucleotide within the consensus splice site of the intron. This variant is not present in population databases (ExAC no frequency). This variant has not been reported in the literature in individuals affected with RPGRIP1L-related conditions. Algorithms developed to predict the effect of sequence changes on RNA splicing suggest that this variant may disrupt the consensus splice site. In summary, the available evidence is currently insufficient to determine the role of this variant in disease. Therefore, it has been classified as a Variant of Uncertain Significance.

NM_015272.5(RPGRIP1L):c.882+3A>G

Gene: RPGRIP1L (RPGRIP1 like; minus strand). Cytogenetic location: 16q12.2.
Variant type: single nucleotide variant.
Coding change: c.882+3A>G on transcript NM_015272.5 (MANE Select); 3 bases into the intron after coding-DNA position 882, A replaced by G.
Molecular consequence: intron variant.
Genome position (GRCh38, 1-based): chr16:53,675,014, T>C on the plus strand (A>G on the coding strand, the complement: RPGRIP1L is on the minus strand). VCF-style: chr16-53675014-T-C. GRCh37 (hg19) VCF-style: chr16-53708926-T-C.
Other names: c.882+3A>G (NM_001127897.4, NM_001330538.2, NM_001308334.3).
Identifiers: ClinVar variation 1411597 (VCV001411597.4), dbSNP rs1969042020, ClinGen allele CA977429040.